The following is an entry in ClinVar:

NC_000001.10:g.(?_45307509)_(45308604_?)dup

Gene: PTCH2 (patched 2; minus strand). Cytogenetic location: 1p34.1.
Variant type: Duplication.
Identifiers: ClinVar variation 1374409 (VCV001374409.6).

ClinVar aggregate classification (germline): Uncertain significance (1 of 4 stars; one submission).

Conditions:
Gorlin syndrome. Also called: Basal cell nevus syndrome; Nevoid Basal Cell Carcinoma Syndrome. Identifiers: Orphanet 377, MedGen C0004779, MONDO:0007187.

Submission:

Labcorp Genetics (formerly Invitae), Labcorp
Classification: Uncertain significance for Gorlin syndrome. Last evaluated: 2021-01-29. Review status: criteria provided, single submitter. Criteria: Invitae Variant Classification Sherloc (09022015). Collection method: clinical testing. Allele origin: germline.
Comment: This variant results in a copy number gain of the genomic region encompassing exon(s) 1-2 of the PTCH2 gene. This region includes the initiator codon of the gene. The 5' end of this event is unknown as it extends beyond the assayed region for this gene and therefore may encompass additional genes. The 3' boundary is likely confined to intron 2 of the PTCH2 gene. As the precise location of this event is unknown, it may be in tandem or it may be located elsewhere in the genome. This variant has not been reported in the literature in individuals with PTCH2-related conditions. Experimental studies and prediction algorithms are not available or were not evaluated, and the functional significance of this variant is currently unknown. In summary, the available evidence is currently insufficient to determine the role of this variant in disease. Therefore, it has been classified as a Variant of Uncertain Significance.